The following is an entry in ClinVar:

NM_002203.4(ITGA2):c.2742-4A>G

Gene: ITGA2 (integrin subunit alpha 2; plus strand). Cytogenetic location: 5q11.2.
Variant type: single nucleotide variant.
Coding change: c.2742-4A>G on transcript NM_002203.4 (MANE Select); 4 bases into the intron before coding-DNA position 2742, A replaced by G.
Molecular consequence: intron variant.
Genome position (GRCh38, 1-based): chr5:53,075,217, A>G. VCF-style: chr5-53075217-A-G. GRCh37 (hg19) VCF-style: chr5-52371047-A-G.
Identifiers: ClinVar variation 904636 (VCV000904636.6), dbSNP rs41272305, ClinGen allele CA3263300.
Genomic context (GRCh38, chr5:53,075,217, plus strand): 5'-TGAATGGAATGATGGATAGCTTTGTATTTCTCTTTAAGTAATTTCCTAATGTTTCTTTCT[A>G]TAGTGAAAGCCAAGAAGAAAACAAGGCTGATAATTTGGTCAACCTCAAAATTCCTCTCCT-3'

ClinVar aggregate classification (germline): Benign/Likely benign. Review status: criteria provided, multiple submitters, no conflicts (2 of 4 stars). 3 submissions from 3 submitters: Benign (1); Likely benign (1). 1 of the submissions does not count toward it. Last evaluated 2024-11-06.

Conditions:
Platelet-type bleeding disorder 9 (BDPLT9). Also called: GLYCOPROTEIN Ia DEFICIENCY; GP Ia DEFICIENCY; COLLAGEN PLATELET RECEPTOR DEFICIENCY. Identifiers: Orphanet 73271, Orphanet 98886, MedGen C3280114, MONDO:0013622, OMIM 614200.
ITGA2-related disorder. Also called: ITGA2-related condition.

Allele frequency attached by ClinVar (database versions not stated): 1000 Genomes Project 0.00020; 1000 Genomes Project 30x 0.00031; ESP Exome Variant Server 0.00046; TOPMed 0.00047; gnomAD 0.00048 and 0.00052; gnomAD exomes 0.00059; ExAC 0.00069.

Submissions (3):

Blueprint Genetics
Classification: Likely benign. Last evaluated: 2024-11-06. Review status: criteria provided, single submitter. Criteria: ACMG Guidelines, 2015. Collection method: clinical testing. Allele origin: germline.

Illumina Laboratory Services, Illumina
Classification: Benign for Platelet-type bleeding disorder 9. Last evaluated: 2018-01-13. Review status: criteria provided, single submitter. Criteria: ICSL Variant Classification Criteria 13 December 2019. Collection method: clinical testing. Allele origin: germline.
Comment: This variant was observed in the ICSL laboratory as part of a predisposition screen in an ostensibly healthy population. It had not been previously curated by ICSL or reported in the Human Gene Mutation Database (HGMD: prior to June 1st, 2018), and was therefore a candidate for classification through an automated scoring system. Utilizing variant allele frequency, disease prevalence and penetrance estimates, and inheritance mode, an automated score was calculated to assess if this variant is too frequent to cause the disease. Based on the score and internal cut-off values, a variant classified as benign is not then subjected to further curation. The score for this variant resulted in a classification of benign for this disease.

PreventionGenetics, part of Exact Sciences
Classification: Likely benign for ITGA2-related condition. Last evaluated: 2024-05-24. Review status: no assertion criteria provided. Collection method: clinical testing. Allele origin: germline. Not counted in ClinVar's aggregate classification.
Comment: This variant is classified as likely benign based on ACMG/AMP sequence variant interpretation guidelines (Richards et al. 2015 PMID: 25741868, with internal and published modifications).